The following is an entry in ClinVar:

ClinVar aggregate classification (germline): Pathogenic. Review status: reviewed by expert panel (3 of 4 stars). 13 submissions from 13 submitters: Pathogenic (1). 12 of the submissions do not count toward it. Last evaluated 2026-04-07.

Conditions:
Beta-thalassemia HBB/LCRB. Identifiers: MedGen CN322236, MONDO:0013517, OMIM 613985.
Hemoglobinopathy. Also called: Haemoglobinopathies; Hemoglobin disorder. Identifiers: MedGen C0019045, MONDO:0044348.
Beta zero thalassemia. Identifiers: MedGen C0271980.
beta Thalassemia (BTHAL). Also called: Cooley's anemia; Erythroblastic anemia; Mediterranean anemia. Identifiers: Orphanet 848, MedGen C0005283, MONDO:0019402. Disease mechanism: loss of function.

Allele frequency attached by ClinVar (database versions not stated): TOPMed below 0.00001; gnomAD 0.00001.
gnomAD v4.1: 2 of 1,614,108 alleles (0.00012%); highest among the groups gnomAD compares: Middle Eastern, 0.016%; no homozygotes.

Submissions (13):

ClinGen Hemoglobinopathy Variant Curation Expert Panel, ClinGen
Classification: Pathogenic for Beta-thalassemia HBB/LCRB. Last evaluated: 2026-04-07. Review status: reviewed by expert panel. Criteria: ClinGen Hb Opathy ACMG Specifications HBB V1.0.0. Collection method: curation. Allele origin: germline. Inheritance: Autosomal recessive inheritance.
Comment: The c.114G>A (p.Trp38Ter) variant in HBB results in a premature termination codon predicted to cause truncated or absent HBB protein, which is a commonly known mechanism for disease. This is reflected in the 0% HbA detected by HPLC analysis and Hb electrophoresis in homozygous patients [PVS1; PMID: 24385817; 22385009]. This variant was reported in five unrelated individuals displaying a hematological phenotype consistent with β-thalassemia trait (reduced MCV and MCH) with a total score of 0.75 [PS4_P; PMID: 23510507; 22385009; 24385817; The Hemoglobinopathies Laboratory, Department of Human and Clinical Genetics, Leiden University Medical Center]. It has been detected in two individuals with a β-thalassemia intermedia phenotype, one who received transfusion therapy. Of those individuals, one was compound heterozygous for the variant and a pathogenic variant (c.93-1G>C) and was confirmed in trans by DNA studies, and the other was homozygous for the variant. Total PM3 points are 1.5 [PM3; PMID: 23510507; 24385817; Variation ID: 439166]. The variant has been reported to segregate with β-thalassemia (an intermediate or transfusion-dependent condition) in two affected family members from two families. The total number of unaffected segregations is one, giving a LOD score of 1.33 [PP1; PMID: 23510507; 3006832]. The minor allele frequency in gnomAD v4.1 is 0.000001239 (2/1614108 alleles), which is lower than the ClinGen Hemoglobinopathy VCEP threshold <0.0001 for PM2_Supporting, and therefore meets this criterion [PM2_P]. In summary, this variant meets the criteria to be classified as pathogenic for autosomal recessive beta thalassemia (MONDO:0013517) based on the ACMG/AMP criteria applied, as specified by the ClinGen Hemoglobinopathy VCEP (specification version 1.0.0): PVS1, PM3, PS4_P, PP1, PM2_P.

CeGaT Center for Human Genetics Tuebingen
Classification: Pathogenic. Last evaluated: 2026-04-01. Review status: criteria provided, single submitter. Criteria: CeGaT Center For Human Genetics Tuebingen Variant Classification Criteria Version 2. Collection method: clinical testing. Allele origin: germline. Affected: yes. Observed: 1 variant allele. Not counted in ClinVar's aggregate classification.
Comment: HBB: PVS1, PM2

Labcorp Genetics (formerly Invitae), Labcorp
Classification: Pathogenic. Last evaluated: 2025-12-17. Review status: criteria provided, single submitter. Criteria: Invitae Variant Classification Sherloc (09022015). Collection method: clinical testing. Allele origin: germline. Not counted in ClinVar's aggregate classification.
Comment: This sequence change creates a premature translational stop signal (p.Trp38*) in the HBB gene. It is expected to result in an absent or disrupted protein product. Loss-of-function variants in HBB are known to be pathogenic (PMID: 23637309). This variant is not present in population databases (gnomAD no frequency). This premature translational stop signal has been observed in individual(s) with beta thalassemia (PMID: 3006832, 28670940). ClinVar contains an entry for this variant (Variation ID: 15405). For these reasons, this variant has been classified as Pathogenic.

3billion
Classification: Pathogenic for Beta-thalassemia HBB/LCRB. Last evaluated: 2025-11-17. Review status: criteria provided, single submitter. Criteria: ACMG Guidelines, 2015. Collection method: clinical testing. Allele origin: germline. Affected: yes. Not counted in ClinVar's aggregate classification.
Comment: The variant is observed at an extremely low frequency in the gnomAD v4.1.0 dataset (total allele frequency: 0.001%). Predicted Consequence/Location: Stop-gained (nonsense): predicted to result in a loss or disruption of normal protein function through nonsense-mediated decay (NMD) or protein truncation. Multiple pathogenic variants are reported downstream of the variant. The variant has been reported at least twice as pathogenic with clinical assertions and evidence for the classification (ClinVar ID: VCV000015405 /PMID: 3006832). Therefore, this variant is classified as Pathogenic according to the recommendation of ACMG/AMP guideline.

Natera, Inc.
Classification: Pathogenic for Beta thalassemia. Last evaluated: 2025-07-25. Review status: criteria provided, single submitter. Criteria: Natera Variant Classification Schema (03/2026). Collection method: clinical testing. Allele origin: germline. Not counted in ClinVar's aggregate classification.
Comment: The c.114G>A variant in HBB is a nonsense variant predicted to introduce a stop codon at amino acid 38. This variant is expected to result in nonsense mediated decay, truncation, or a dysfunctional protein product. This variant is rare in the general population with a frequency below the threshold expected for the associated phenotype(s). This variant has been observed in one or more individuals affected with the associated recessive disease, as either homozygous or compound heterozygous with a second variant (PMID: 15921164). Given the available evidence, this variant is classified as Pathogenic.

Revvity Omics, Revvity
Classification: Pathogenic. Last evaluated: 2025-01-09. Review status: criteria provided, single submitter. Criteria: ACMG Guidelines, 2015. Collection method: clinical testing. Allele origin: germline. Not counted in ClinVar's aggregate classification.

ARUP Laboratories, Molecular Genetics and Genomics, ARUP Laboratories
Classification: Pathogenic. Last evaluated: 2024-01-02. Review status: criteria provided, single submitter. Criteria: ARUP Molecular Germline Variant Investigation Process 2024. Collection method: clinical testing. Allele origin: germline. Not counted in ClinVar's aggregate classification.
Comment: The HBB c.114G>A; p.Trp38Ter variant (rs33974936, HbVar ID: 841), also known as Codon 37 (G->A), is reported in multiple individuals diagnosed with beta-thalassemia, and associated with beta-0 trait (Asadov 2013, Boehm 1986, Fernandes 2011, Gallano 1992, HbVar database and references therein). This variant is also reported in ClinVar (Variation ID: 15405) and is absent from the Genome Aggregation Database, indicating it is not a common polymorphism. This variant induces an early termination codon and is predicted to result in a truncated protein or mRNA subject to nonsense-mediated decay. Based on available information, this variant is considered to be pathogenic. References: Link to HbVar database: Asadov C et al. Identification of two rare Beta-globin gene mutations in a patient with Beta-thalassemia intermedia from Azerbaijan. Hemoglobin. 2013; 37(3):291-6. PMID: 23510507. Boehm C et al. Use of oligonucleotide hybridization in the characterization of a beta zero-thalassemia gene (beta 37 TGG----TGA) in a Saudi Arabian family. Blood. 1986; 67(4):1185-8. PMID: 3006832. Fernandes A et al. Molecular analysis of B-thalassemia patients: first identification of mutations HBB:c.93-2A>G and HBB:c.114G>A in Brazil. Hemoglobin. 2011; 35(4):358-66. PMID: 21797703. Gallano P et al. High prevalence of the beta-thalassaemia nonsense 37 mutation in Catalonians from the Ebro delta. Br J Haematol. 1992; 81(1):126-7. PMID: 1520612.

Quest Diagnostics Nichols Institute San Juan Capistrano
Classification: Pathogenic. Last evaluated: 2022-06-23. Review status: criteria provided, single submitter. Criteria: Quest Diagnostics criteria. Collection method: clinical testing. Allele origin: unknown. Not counted in ClinVar's aggregate classification.
Comment: The HBB c.114G>A (p.Trp38*) variant (also known as Codon 37 (G>A) and W37X) causes the premature termination of beta-globin (HBB) protein synthesis and is associated with beta(0)-thalassemia (PMID: 3006832 (1986), 15008262 (2004), 18096416 (2008), 23321370 (2013), 23510507 (2013)).

GeneDx
Classification: Pathogenic. Last evaluated: 2021-06-09. Review status: criteria provided, single submitter. Criteria: GeneDx Variant Classification Process June 2021. Collection method: clinical testing. Allele origin: germline. Affected: yes. Not counted in ClinVar's aggregate classification.
Comment: Nonsense variant predicted to result in protein truncation or nonsense mediated decay in a gene for which loss-of-function is a known mechanism of disease; Reported as pathogenic in a well-curated hemoglobin database but additional evidence is not available (Giardine et al., 2014); Not observed at significant frequency in large population cohorts (Lek et al., 2016); This variant is associated with the following publications: (PMID: 27535533, 22385009, 3006832, 23510507, 21797703)

Women's Health and Genetics/Laboratory Corporation of America, LabCorp
Classification: Pathogenic for Hemoglobinopathy. Last evaluated: 2017-12-18. Review status: criteria provided, single submitter. Criteria: LabCorp Variant Classification Summary - May 2015. Collection method: clinical testing. Allele origin: germline. Not counted in ClinVar's aggregate classification.
Comment: Variant summary: The HBB c.114G>A (p.Trp38X) variant results in a premature termination codon, predicted to cause a truncated or absent HBB protein due to nonsense mediated decay, which are commonly known mechanisms for disease. Truncations downstream of this position have been classified as pathogenic by our laboratory (e.g. c.118C>T/p.Gln40X, c.130G>T/p.Glu44X, etc). One in silico tool predicts a damaging outcome for this variant. This variant is absent in 30964 control chromosomes. It has been reported in many BTHAL patients (both intermediate and major types) in both homozygous and comound heterozygous status. In addition, multiple clinical diagnostic laboratories/reputable databases classified this variant as pathogenic/ likely pathogenic. Ithanet lists variant as ' Globin gene causative mutation' with relative frequencies of 6.3% in Jordan, 4.05% in Syria, 1.08% in Tunisia, 1% in Egypt, 0.3% in Czech Republic, 0.3% in Slovakia, 0.3% in Pakistan, and 0.3% in Spain. Taken together, this variant is classified as pathogenic.

The ITHANET community portal, The Cyprus Institute of Neurology and Genetics
Classification: Pathogenic for beta Thalassemia. Last evaluated: 2019-11-25. Review status: no assertion criteria provided. Collection method: curation. Allele origin: germline. Not counted in ClinVar's aggregate classification.

Counsyl
Classification: Likely pathogenic for beta Thalassemia. Last evaluated: 2014-12-16. Review status: no assertion criteria provided. Collection method: literature only. Allele origin: unknown. Inheritance: Autosomal recessive inheritance. Not counted in ClinVar's aggregate classification.

OMIM
Classification: Pathogenic for BETA-ZERO-THALASSEMIA. Last evaluated: 1986-04-01. Review status: no assertion criteria provided. Collection method: literature only. Allele origin: germline. Not counted in ClinVar's aggregate classification.

Literature cited by the submitters: PubMed 23637309 (cited by Labcorp Genetics (formerly Invitae), Labcorp); PubMed 3006832 (cited by 7 submitters); PubMed 28670940 (cited by Labcorp Genetics (formerly Invitae), Labcorp); PubMed 15921164 (cited by Natera, Inc.); PubMed 18976160 (cited by Quest Diagnostics Nichols Institute San Juan Capistrano and Women's Health and Genetics/Laboratory Corporation of America, LabCorp); PubMed 18096416 (cited by Quest Diagnostics Nichols Institute San Juan Capistrano and Women's Health and Genetics/Laboratory Corporation of America, LabCorp); PubMed 14734204 (cited by Quest Diagnostics Nichols Institute San Juan Capistrano and Women's Health and Genetics/Laboratory Corporation of America, LabCorp); PubMed 9140720 (cited by Quest Diagnostics Nichols Institute San Juan Capistrano and Women's Health and Genetics/Laboratory Corporation of America, LabCorp); PubMed 7852087 (cited by Quest Diagnostics Nichols Institute San Juan Capistrano and Counsyl); PubMed 21797703 (cited by 3 submitters); PubMed 20395516 (cited by 3 submitters); PubMed 23510507 (cited by Quest Diagnostics Nichols Institute San Juan Capistrano and Counsyl); PubMed 15008262 (cited by Quest Diagnostics Nichols Institute San Juan Capistrano); PubMed 23321370 (cited by Quest Diagnostics Nichols Institute San Juan Capistrano); PubMed 1520612 (cited by Women's Health and Genetics/Laboratory Corporation of America, LabCorp and Counsyl); PubMed 20437613 (cited by Women's Health and Genetics/Laboratory Corporation of America, LabCorp); PubMed 15108284 (cited by Women's Health and Genetics/Laboratory Corporation of America, LabCorp); PubMed 19254853 (cited by Women's Health and Genetics/Laboratory Corporation of America, LabCorp).

NM_000518.5(HBB):c.114G>A (p.Trp38Ter)

Genes: HBB (hemoglobin subunit beta; minus strand), LOC106099062 (HBB recombination region; plus strand), LOC107133510 (origin of replication at HBB; plus strand). Cytogenetic location: 11p15.4.
Variant type: single nucleotide variant.
Coding change: c.114G>A on transcript NM_000518.5 (MANE Select); coding-DNA position 114, G replaced by A.
Protein change: p.Trp38Ter; replaces tryptophan 38 with a stop codon.
Molecular consequence: nonsense.
Genome position (GRCh38, 1-based): chr11:5,226,778, C>T on the plus strand (G>A on the coding strand, the complement: HBB is on the minus strand). VCF-style: chr11-5226778-C-T. GRCh37 (hg19) VCF-style: chr11-5248008-C-T.
Other names: W37*; CD 37 (TGG>TGA); short protein forms W38*.
Identifiers: ClinVar variation 15405 (VCV000015405.35), dbSNP rs33974936, ClinGen allele CA125265.